The following is an entry in ClinVar:

ClinVar aggregate classification (germline): Uncertain significance (1 of 4 stars; one submission).

Submission:

Labcorp Genetics (formerly Invitae), Labcorp
Classification: Uncertain significance. Last evaluated: 2022-07-12. Review status: criteria provided, single submitter. Criteria: Invitae Variant Classification Sherloc (09022015). Collection method: clinical testing. Allele origin: germline.
Comment: In summary, the available evidence is currently insufficient to determine the role of this variant in disease. Therefore, it has been classified as a Variant of Uncertain Significance. This variant has not been reported in the literature in individuals affected with ADAMTS18-related conditions. This variant results in a copy number gain of the genomic region encompassing exon(s) 17-23 of the ADAMTS18 gene. This region includes the termination codon of the gene. This copy number gain extends beyond the assayed region for this gene and therefore may encompass additional genes. As the precise location of this event is unknown, it may be in tandem or it may be located elsewhere in the genome.

NC_000016.9:g.(?_77317853)_(77334321_?)dup

Gene: ADAMTS18 (ADAM metallopeptidase with thrombospondin type 1 motif 18; minus strand). Cytogenetic location: 16q23.1.
Variant type: Duplication.
Identifiers: ClinVar variation 2427674 (VCV002427674.4).